The following is an entry in ClinVar:

NM_004113.6(FGF12):c.454del (p.His152fs)

Gene: FGF12 (fibroblast growth factor 12; minus strand). Cytogenetic location: 3q28.
Variant type: Deletion.
Coding change: c.454del on transcript NM_004113.6 (MANE Select); coding-DNA position 454, one base deleted (C; older notation c.454delC).
Protein change: p.His152fs; shifts the reading frame from histidine 152.
Molecular consequence: frameshift variant.
Genome position (GRCh38, 1-based): chr3:192,144,101, G deleted on the plus strand (C on the coding strand, the reverse complement: FGF12 is on the minus strand). VCF-style (leftmost placement, unchanged base first): chr3-192144100-TG-T. GRCh37 (hg19) VCF-style: chr3-191861889-TG-T.
Other names: c.343del, p.His115fs (NM_001377292.1); c.382del, p.His128fs (NM_001377293.1, NM_001377294.1); c.640del, p.His214fs (NM_021032.5); short protein forms H115fs, H152fs, H214fs, H128fs.
Identifiers: ClinVar variation 2851847 (VCV002851847.3), dbSNP rs2473889992, ClinGen allele CA2739269966.
Genomic context (GRCh38, chr3:192,144,100, plus strand): 5'-CCATTCATGGTTGGTGTTCCAGAACTTTTCCTTGAACGCCCTTGTTTTTCTCCAATTTCA[TG>T]TAGCGATGGTTCTCTGTACATACACACTGAAAGGCAAAATAACAAAAATTACTTATGACA-3'

ClinVar aggregate classification (germline): Likely pathogenic (1 of 4 stars; one submission).

Submission:

Labcorp Genetics (formerly Invitae), Labcorp
Classification: Likely pathogenic. Last evaluated: 2023-06-06. Review status: criteria provided, single submitter. Criteria: Invitae Variant Classification Sherloc (09022015). Collection method: clinical testing. Allele origin: germline.
Comment: In summary, the currently available evidence indicates that the variant is pathogenic, but additional data are needed to prove that conclusively. Therefore, this variant has been classified as Likely Pathogenic. Experimental studies and prediction algorithms are not available or were not evaluated, and the functional significance of this variant is currently unknown. This premature translational stop signal has been observed in individual(s) with FGF12-related conditions (Invitae). In at least one individual the variant was observed to be de novo. This variant is not present in population databases (gnomAD no frequency). This sequence change creates a premature translational stop signal (p.His214Metfs*19) in the FGF12 gene. While this is not anticipated to result in nonsense mediated decay, it is expected to disrupt the last 30 amino acid(s) of the FGF12 protein.